The following is an entry in ClinVar:

ClinVar aggregate classification (germline): Likely benign (1 of 4 stars; one submission).

gnomAD v4.1: 38 of 1,597,712 alleles (0.0024%); highest among the groups gnomAD compares: Middle Eastern, 0.033%; no homozygotes.

Submission:

Athena Diagnostics
Classification: Likely benign. Last evaluated: 2025-07-23. Review status: criteria provided, single submitter. Criteria: Athena Diagnostics Criteria. Collection method: clinical testing. Allele origin: unknown.
Comment: Computational tools yielded predictions that this variant is unlikely to have an effect on normal RNA splicing. This nucleotide position exhibits low evolutionary conservation.

NM_001961.4(EEF2):c.1842C>T (p.Ala614=)

Gene: EEF2 (eukaryotic translation elongation factor 2; minus strand). Cytogenetic location: 19p13.3.
Variant type: single nucleotide variant.
Coding change: c.1842C>T on transcript NM_001961.4 (MANE Select); coding-DNA position 1842, C replaced by T.
Protein change: p.Ala614=; no amino-acid change (alanine 614 retained).
Molecular consequence: synonymous variant.
Genome position (GRCh38, 1-based): chr19:3,978,044, G>A on the plus strand (C>T on the coding strand, the complement: EEF2 is on the minus strand). VCF-style: chr19-3978044-G-A. GRCh37 (hg19) VCF-style: chr19-3978042-G-A.
Identifiers: ClinVar variation 4682411 (VCV004682411.1).